The following is an entry in ClinVar:

ClinVar aggregate classification (germline): Pathogenic. Review status: no assertion criteria provided (0 of 4 stars). 2 submissions from 1 submitter: Pathogenic (1). 1 of the submissions does not count toward it. Last evaluated 2011-05-06.

Submissions (2):

ISCA site 1
Classification: Pathogenic. Last evaluated: 2011-05-06. Review status: no assertion criteria provided. Collection method: clinical testing. Allele origin: paternal. Affected: yes. Observed: 1 variant allele.
Comment: Copy number variation identified through the course of routine clinical cytogenomic testing in postnatal populations. Clinical assertions have been curated as described in Kaminsky et al. 2011.

Copy number variation identified through the course of routine clinical cytogenomic testing in postnatal populations. Clinical assertions have been curated as described in Kaminsky, et al. 2011 (PubMed 21844811). For additional ClinGen data, please see nstd37.

ISCA site 1
Classification: Pathogenic. Last evaluated: 2018-02-14. Review status: flagged submission. Collection method: clinical testing. Allele origin: unknown. Affected: yes. Observed: 4 variant alleles. Clinical features observed: Abnormality of the foot (HP:0001760), Hearing impairment (HP:0000365), Scoliosis (HP:0002650), Developmental delay AND/OR other significant developmental or morphological phenotypes. Not counted in ClinVar's aggregate classification.
ClinVar note: Reason: This record appears to be redundant with a more recent record from the same submitter.
ClinVar note: Notes: SCV000175268 appears to be redundant with SCV000077982.

GRCh38/hg38 16p11.2(chr16:29227272-30179247)x3

Genes: ALDOA (aldolase, fructose-bisphosphate A; plus strand), ASPHD1 (aspartate beta-hydroxylase domain containing 1; plus strand), BOLA2 (bolA family member 2; minus strand), BOLA2-SMG1P6 (BOLA2-SMG1P6 readthrough; minus strand), C16orf54 (chromosome 16 open reading frame 54; minus strand) and 106 more. Cytogenetic location: 16p11.2.
Variant type: copy number gain.
Change: copy number 3 (three copies instead of two) of chr16:29,227,272-30,179,247 (952.0 kb, GRCh38 coordinates, 1-based), cytogenetic band 16p11.2.
Identifiers: ClinVar variation 32947 (VCV000032947.5).